The following is an entry in ClinVar:

NM_004863.4(SPTLC2):c.1203T>C (p.His401=)

Gene: SPTLC2 (serine palmitoyltransferase long chain base subunit 2; minus strand). Cytogenetic location: 14q24.3.
Variant type: single nucleotide variant.
Coding change: c.1203T>C on transcript NM_004863.4 (MANE Select); coding-DNA position 1203, T replaced by C.
Protein change: p.His401=; no amino-acid change (histidine 401 retained).
Molecular consequence: synonymous variant.
Genome position (GRCh38, 1-based): chr14:77,552,196, A>G on the plus strand (T>C on the coding strand, the complement: SPTLC2 is on the minus strand). VCF-style: chr14-77552196-A-G. GRCh37 (hg19) VCF-style: chr14-78018539-A-G.
Identifiers: ClinVar variation 2056738 (VCV002056738.5), dbSNP rs751416317, ClinGen allele CA7289233.

ClinVar aggregate classification (germline): Benign/Likely benign. Review status: criteria provided, multiple submitters, no conflicts (2 of 4 stars). 2 submissions from 2 submitters: Benign (1); Likely benign (1). Last evaluated 2026-02-06.

Conditions:
Neuropathy, hereditary sensory and autonomic, type 1C. Also called: HSAN IC; HSN IC. Identifiers: Orphanet 36386, MedGen C3150896, MONDO:0013337, OMIM 613640.
SPTLC2-related disorder. Also called: SPTLC2-related condition.

Allele frequency attached by ClinVar (database versions not stated): gnomAD exomes 0.00002; gnomAD 0.00003; TOPMed 0.00005; ExAC 0.00006.
gnomAD v4.1: 36 of 1,614,006 alleles (0.0022%); highest among the groups gnomAD compares: East Asian, 0.071%; 1 homozygote.

Submissions (2):

PreventionGenetics, part of Exact Sciences
Classification: Likely benign for SPTLC2-related condition. Last evaluated: 2026-02-06. Review status: criteria provided, single submitter. Criteria: ACMG Guidelines, 2015. Collection method: clinical testing. Allele origin: germline.
Comment: This variant is classified as likely benign based on ACMG/AMP sequence variant interpretation guidelines (Richards et al. 2015 PMID: 25741868, with internal and published modifications).

Labcorp Genetics (formerly Invitae), Labcorp
Classification: Benign for Neuropathy, hereditary sensory and autonomic, type 1C. Last evaluated: 2024-11-30. Review status: criteria provided, single submitter. Criteria: Invitae Variant Classification Sherloc (09022015). Collection method: clinical testing. Allele origin: germline.